The following is an entry in ClinVar:

NM_004973.4(JARID2):c.2770T>C (p.Ser924Pro)

Gene: JARID2 (jumonji and AT-rich interaction domain containing 2; plus strand). Cytogenetic location: 6p22.3.
Variant type: single nucleotide variant.
Coding change: c.2770T>C on transcript NM_004973.4 (MANE Select); coding-DNA position 2770, T replaced by C.
Protein change: p.Ser924Pro; replaces serine 924 with proline.
Molecular consequence: missense variant.
Genome position (GRCh38, 1-based): chr6:15,508,378, T>C. VCF-style: chr6-15508378-T-C. GRCh37 (hg19) VCF-style: chr6-15508609-T-C.
Other names: c.2254T>C, p.Ser752Pro (NM_001267040.1); short protein forms S752P, S924P.
Identifiers: ClinVar variation 2580532 (VCV002580532.1), dbSNP rs2533199300, ClinGen allele CA362801288.
Genomic context (GRCh38, chr6:15,508,378, plus strand): 5'-CTTTTCACTCTTTCTGTTTTAGGAGTGACTATTCCCTGGCTAAATATTGGCATGGTCTTT[T>C]CTACCTCATGCTGGTCTCGAGACCAAAATCACCTTCCATACATTGACTACTTACACACTG-3'
Protein context (NP_004964.2, residues 914-934): IPWLNIGMVF[Ser924Pro]TSCWSRDQNH

ClinVar aggregate classification (germline): Uncertain significance (1 of 4 stars; one submission).

Submission:

GeneDx
Classification: Uncertain significance. Last evaluated: 2023-03-23. Review status: criteria provided, single submitter. Criteria: GeneDx Variant Classification Process June 2021. Collection method: clinical testing. Allele origin: germline. Affected: yes.
Comment: Not observed at significant frequency in large population cohorts (gnomAD); In silico analysis supports that this missense variant has a deleterious effect on protein structure/function; Has not been previously published as pathogenic or benign to our knowledge